The following is an entry in ClinVar:

ClinVar aggregate classification (germline): Likely benign. Review status: criteria provided, multiple submitters, no conflicts (2 of 4 stars). 4 submissions from 4 submitters: Likely benign (4). Last evaluated 2025-10-14.

Allele frequency attached by ClinVar (database versions not stated): gnomAD exomes 0.00004; ExAC 0.00006; gnomAD 0.00014; TOPMed 0.00020; ESP Exome Variant Server 0.00023.
gnomAD v4.1: 122 of 1,614,076 alleles (0.0076%); highest among the groups gnomAD compares: African/African-American, 0.044%; no homozygotes.

Submissions (4):

Mayo Clinic Laboratories, Mayo Clinic
Classification: Likely benign. Last evaluated: 2025-10-14. Review status: criteria provided, single submitter. Criteria: ACMG Guidelines, 2015. Collection method: clinical testing. Allele origin: germline. Observed: 3 variant alleles.

Labcorp Genetics (formerly Invitae), Labcorp
Classification: Likely benign. Last evaluated: 2025-02-23. Review status: criteria provided, single submitter. Criteria: Invitae Variant Classification Sherloc (09022015). Collection method: clinical testing. Allele origin: germline.

CeGaT Center for Human Genetics Tuebingen
Classification: Likely benign. Last evaluated: 2025-01-01. Review status: criteria provided, single submitter. Criteria: CeGaT Center For Human Genetics Tuebingen Variant Classification Criteria Version 2. Collection method: clinical testing. Allele origin: germline. Affected: yes. Observed: 1 variant allele.
Comment: SPTB: BP4, BP7

Blueprint Genetics
Classification: Likely benign. Last evaluated: 2024-06-06. Review status: criteria provided, single submitter. Criteria: ACMG Guidelines, 2015. Collection method: clinical testing. Allele origin: germline.

NM_001355436.2(SPTB):c.1047C>T (p.Thr349=)

Gene: SPTB (spectrin beta, erythrocytic; minus strand). Cytogenetic location: 14q23.3.
Variant type: single nucleotide variant.
Coding change: c.1047C>T on transcript NM_001355436.2 (MANE Select); coding-DNA position 1047, C replaced by T.
Protein change: p.Thr349=; no amino-acid change (threonine 349 retained).
Molecular consequence: synonymous variant.
Genome position (GRCh38, 1-based): chr14:64,799,764, G>A on the plus strand (C>T on the coding strand, the complement: SPTB is on the minus strand). VCF-style: chr14-64799764-G-A. GRCh37 (hg19) VCF-style: chr14-65266482-G-A.
Other names: p.Thr349=; c.1047C>T, p.Thr349= (NM_001024858.4, NM_001355437.2).
Identifiers: ClinVar variation 2068228 (VCV002068228.19), dbSNP rs150695302, ClinGen allele CA7231249.